The following is an entry in ClinVar:

ClinVar aggregate classification (germline): Benign/Likely benign. Review status: criteria provided, multiple submitters, no conflicts (2 of 4 stars). 10 submissions from 10 submitters: Benign (8); Likely benign (1). 1 of the submissions does not count toward it. Last evaluated 2026-02-04.

Conditions:
H syndrome. Also called: Histiocytosis with joint contractures and sensorineural deafness; FAISALABAD HISTIOCYTOSIS; HISTIOCYTOSIS AND LYMPHADENOPATHY WITH OR WITHOUT CUTANEOUS, CARDIAC, AND/OR ENDOCRINE FEATURES, JOINT CONTRACTURES, AND/OR DEAFNESS; HYPERPIGMENTATION, CUTANEOUS, WITH HYPERTRICHOSIS, HEPATOSPLENOMEGALY, HEART ANOMALIES, AND HYPOGONADISM WITH OR WITHOUT HEARING LOSS; PIGMENTED HYPERTRICHOSIS WITH INSULIN-DEPENDENT DIABETES MELLITUS; ROSAI-DORFMAN DISEASE, FAMILIAL. Identifiers: Orphanet 168569, MedGen C1864445, MONDO:0011273, OMIM 602782.

Allele frequency attached by ClinVar (database versions not stated): 1000 Genomes Project 0.81430; 1000 Genomes Project 30x 0.82214; ExAC 0.86738; gnomAD exomes 0.86967 and 0.88931; gnomAD 0.87580 and 0.87959; TOPMed 0.87681; ESP Exome Variant Server 0.87944.
gnomAD v4.1: 1,428,268 of 1,608,752 alleles (89%); highest among the groups gnomAD compares: Middle Eastern, 91%; 635,700 homozygotes.

Submissions (10):

Labcorp Genetics (formerly Invitae), Labcorp
Classification: Benign for H syndrome. Last evaluated: 2026-02-04. Review status: criteria provided, single submitter. Criteria: Invitae Variant Classification Sherloc (09022015). Collection method: clinical testing. Allele origin: germline.

Women's Health and Genetics/Laboratory Corporation of America, LabCorp
Classification: Benign. Last evaluated: 2026-01-21. Review status: criteria provided, single submitter. Criteria: LabCorp Variant Classification Summary - May 2015. Collection method: clinical testing. Allele origin: germline.

Blueprint Genetics
Classification: Likely benign. Last evaluated: 2024-11-27. Review status: criteria provided, single submitter. Criteria: ACMG Guidelines, 2015. Collection method: clinical testing. Allele origin: germline.

Unidad de Genómica Garrahan, Hospital de Pediatría Garrahan
Classification: Benign. Last evaluated: 2023-11-02. Review status: criteria provided, single submitter. Criteria: ACMG Guidelines, 2015. Collection method: clinical testing. Allele origin: germline. Affected: no. Observed: 96 variant alleles.
Comment: This variant is classified as Benign based on local population frequency. This variant was detected in 100% of patients studied by a panel of primary immunodeficiencies. Number of patients: 96. Only high quality variants are reported.

Mayo Clinic Laboratories, Mayo Clinic
Classification: Benign. Last evaluated: 2022-11-10. Review status: criteria provided, single submitter. Criteria: ACMG Guidelines, 2015. Collection method: clinical testing. Allele origin: germline. Observed: 497 variant alleles.

Genome-Nilou Lab
Classification: Benign for H syndrome. Last evaluated: 2021-07-15. Review status: criteria provided, single submitter. Criteria: ACMG Guidelines, 2015. Collection method: clinical testing. Allele origin: germline. Affected: no.

GeneDx
Classification: Benign. Last evaluated: 2021-06-19. Review status: criteria provided, single submitter. Criteria: GeneDx Variant Classification Process June 2021. Collection method: clinical testing. Allele origin: germline. Affected: yes.

Illumina Laboratory Services, Illumina
Classification: Benign for H syndrome. Last evaluated: 2018-01-13. Review status: criteria provided, single submitter. Criteria: ICSL Variant Classification Criteria 13 December 2019. Collection method: clinical testing. Allele origin: germline.
Comment: This variant was observed in the ICSL laboratory as part of a predisposition screen in an ostensibly healthy population. It had not been previously curated by ICSL or reported in the Human Gene Mutation Database (HGMD: prior to June 1st, 2018), and was therefore a candidate for classification through an automated scoring system. Utilizing variant allele frequency, disease prevalence and penetrance estimates, and inheritance mode, an automated score was calculated to assess if this variant is too frequent to cause the disease. Based on the score and internal cut-off values, a variant classified as benign is not then subjected to further curation. The score for this variant resulted in a classification of benign for this disease.

Breakthrough Genomics
Classification: Benign. Review status: criteria provided, single submitter. Criteria: ACMG Guidelines, 2015. Collection method: not provided. Allele origin: germline. Inheritance: Autosomal recessive inheritance. Affected: yes.

Genetic Services Laboratory, University of Chicago
Classification: Likely benign for AllHighlyPenetrant. Review status: no assertion criteria provided. Collection method: clinical testing. Allele origin: germline. Inheritance: Autosomal recessive inheritance. Not counted in ClinVar's aggregate classification.
Comment: Likely benign based on allele frequency in 1000 Genomes Project or ESP global frequency and its presence in a patient with a rare or unrelated disease phenotype. NOT Sanger confirmed.

NM_018344.6(SLC29A3):c.383+8A>G

Genes: SLC29A3 (solute carrier family 29 member 3; plus strand), LOC105378353 (uncharacterized LOC105378353; minus strand). Cytogenetic location: 10q22.1.
Variant type: single nucleotide variant.
Coding change: c.383+8A>G on transcript NM_018344.6 (MANE Select); 8 bases into the intron after coding-DNA position 383, A replaced by G.
Molecular consequence: intron variant.
Genome position (GRCh38, 1-based): chr10:71,344,299, A>G. VCF-style: chr10-71344299-A-G. GRCh37 (hg19) VCF-style: chr10-73104056-A-G.
Other names: p.?; c.149+8A>G (NM_001363518.2); c.383+8A>G (NM_001174098.2).
Identifiers: ClinVar variation 130340 (VCV000130340.28), dbSNP rs2243540, ClinGen allele CA155239.